The following is an entry in ClinVar:

ClinVar aggregate classification (germline): Uncertain significance. Review status: criteria provided, single submitter (1 of 4 stars). 2 submissions from 2 submitters: Uncertain significance (1). 1 of the submissions does not count toward it. Last evaluated 2025-05-15.

Conditions:
Beta-thalassemia HBB/LCRB. Identifiers: MedGen CN322236, MONDO:0013517, OMIM 613985.

Submissions (2):

Women's Health and Genetics/Laboratory Corporation of America, LabCorp
Classification: Uncertain significance. Last evaluated: 2025-05-15. Review status: criteria provided, single submitter. Criteria: LabCorp Variant Classification Summary - May 2015. Collection method: clinical testing. Allele origin: germline.
Comment: Variant summary: HBB c.161C>T (p.Ala54Val) results in a non-conservative amino acid change in the encoded protein sequence. Algorithms developed to predict the effect of missense changes on protein structure and function all suggest that this variant is likely to be disruptive. The variant was absent in 251446 control chromosomes. The available data on variant occurrences in the general population are insufficient to allow any conclusion about variant significance. c.161C>T has been observed in a homozygous individual affected with Beta Thalassemia who was homozygous for a different pathogenic variant in HBB, c.92+5G>C (Panja_2016). These report(s) do not provide unequivocal conclusions about association of the variant with Beta Thalassemia. To our knowledge, no experimental evidence demonstrating an impact on protein function has been reported. The following publication has been ascertained in the context of this evaluation (PMID: 27690257). ClinVar contains an entry for this variant (Variation ID: 3336606). Based on the evidence outlined above, the variant was classified as uncertain significance.

MOLECULAR BIOLOGY AND HUMAN GENETICS DIVISION, THE UNIVERSITY OF BURDWAN
Classification: Pathogenic for Beta-thalassemia HBB/LCRB. Last evaluated: 2024-05-07. Review status: no assertion criteria provided. Collection method: clinical testing. Allele origin: germline. Affected: yes. Observed: 1 variant allele. Not counted in ClinVar's aggregate classification.
Comment: The variant HBB:c.161C>T also known as Hb Midnapore. The variant was found with homozygous HBB:c.92+5G>C.

Literature cited by the submitters: PubMed 27690257 (cited by Women's Health and Genetics/Laboratory Corporation of America, LabCorp and MOLECULAR BIOLOGY AND HUMAN GENETICS DIVISION, THE UNIVERSITY OF BURDWAN).

NM_000518.5(HBB):c.161C>T (p.Ala54Val)

Genes: HBB (hemoglobin subunit beta; minus strand), LOC106099062 (HBB recombination region; plus strand), LOC107133510 (origin of replication at HBB; plus strand). Cytogenetic location: 11p15.4.
Variant type: single nucleotide variant.
Coding change: c.161C>T on transcript NM_000518.5 (MANE Select); coding-DNA position 161, C replaced by T.
Protein change: p.Ala54Val; replaces alanine 54 with valine.
Molecular consequence: missense variant.
Genome position (GRCh38, 1-based): chr11:5,226,731, G>A on the plus strand (C>T on the coding strand, the complement: HBB is on the minus strand). VCF-style: chr11-5226731-G-A. GRCh37 (hg19) VCF-style: chr11-5247961-G-A.
Other names: short protein forms A54V.
Identifiers: ClinVar variation 3336606 (VCV003336606.3).